The following is an entry in ClinVar:

NM_000286.3(PEX12):c.876dup (p.Asp293Ter)

Gene: PEX12 (peroxisomal biogenesis factor 12; minus strand). Cytogenetic location: 17q12.
Variant type: Duplication.
Coding change: c.876dup on transcript NM_000286.3 (MANE Select); coding-DNA position 876, one base duplicated (T; older notation c.876dupT).
Protein change: p.Asp293Ter; replaces aspartic acid 293 with a stop codon.
Molecular consequence: nonsense.
Genome position (GRCh38, 1-based): chr17:35,575,986, A duplicated on the plus strand (T on the coding strand, the reverse complement: PEX12 is on the minus strand). VCF-style (leftmost placement, unchanged base first): chr17-35575985-C-CA. GRCh37 (hg19) VCF-style: chr17-33903004-C-CA.
Other names: short protein forms D293*.
Identifiers: ClinVar variation 4996217 (VCV004996217.1).

ClinVar aggregate classification (germline): Likely pathogenic (1 of 4 stars; one submission).

Conditions:
PEX12-related disorder. Also called: PEX12-related condition; PEX12-related disorders.

Submission:

PreventionGenetics, part of Exact Sciences
Classification: Likely pathogenic for PEX12-related condition. Last evaluated: 2026-07-16. Review status: criteria provided, single submitter. Criteria: ACMG Guidelines, 2015. Collection method: clinical testing. Allele origin: germline.
Comment: The PEX12 c.876dupT variant is predicted to result in premature protein termination (p.Asp293*). To our knowledge, this variant has not been reported in the literature or in a large population database (gnomAD), indicating this variant is rare. Nonsense variants in PEX12 are expected to be pathogenic. This variant is interpreted as likely pathogenic.